The following is an entry in ClinVar:

NM_022089.4(ATP13A2):c.*9C>A

Gene: ATP13A2 (ATPase cation transporting 13A2; minus strand). Cytogenetic location: 1p36.13.
Variant type: single nucleotide variant.
Coding change: c.*9C>A on transcript NM_022089.4 (MANE Select); 9 bases downstream of the stop codon, C replaced by A.
Molecular consequence: 3 prime UTR variant. On other transcripts: missense variant (1).
Genome position (GRCh38, 1-based): chr1:16,986,212, G>T on the plus strand (C>A on the coding strand, the complement: ATP13A2 is on the minus strand). VCF-style: chr1-16986212-G-T. GRCh37 (hg19) VCF-style: chr1-17312707-G-T.
Other names: c.*9C>A (NM_001141973.3); c.3250C>A, p.His1084Asn (NM_001141974.3); short protein forms H1084N.
Identifiers: ClinVar variation 874315 (VCV000874315.11), dbSNP rs773484997, ClinGen allele CA636452.

ClinVar aggregate classification (germline): Uncertain significance. Review status: criteria provided, multiple submitters, no conflicts (2 of 4 stars). 3 submissions from 3 submitters: Uncertain significance (3). Last evaluated 2025-11-01.

Conditions:
Kufor-Rakeb syndrome (KRS). Also called: PARKINSON DISEASE 9, AUTOSOMAL RECESSIVE, JUVENILE-ONSET. Identifiers: Orphanet 306674, Orphanet 314632, MedGen C1847640, MONDO:0011706, OMIM 606693.

Allele frequency attached by ClinVar (database versions not stated): gnomAD below 0.00001 and 0.00007; TOPMed below 0.00001; gnomAD exomes 0.00015; ExAC 0.00017.
gnomAD v4.1: 124 of 1,612,432 alleles (0.0077%); highest among the groups gnomAD compares: South Asian, 0.13%; 1 homozygote.

Submissions (3):

CeGaT Center for Human Genetics Tuebingen
Classification: Uncertain significance. Last evaluated: 2025-11-01. Review status: criteria provided, single submitter. Criteria: CeGaT Center For Human Genetics Tuebingen Variant Classification Criteria Version 2. Collection method: clinical testing. Allele origin: germline. Affected: yes. Observed: 1 variant allele.
Comment: ATP13A2: PP3

Athena Diagnostics
Classification: Uncertain significance. Last evaluated: 2021-02-18. Review status: criteria provided, single submitter. Criteria: Athena Diagnostics criteria. Collection method: clinical testing. Allele origin: unknown.

Illumina Laboratory Services, Illumina
Classification: Uncertain significance for Kufor-Rakeb syndrome. Last evaluated: 2018-01-12. Review status: criteria provided, single submitter. Criteria: ICSL Variant Classification Criteria 13 December 2019. Collection method: clinical testing. Allele origin: germline.